The following is an entry in ClinVar:

ClinVar aggregate classification (germline): Likely benign. Review status: criteria provided, multiple submitters, no conflicts (2 of 4 stars). 3 submissions from 3 submitters: Likely benign (3). Last evaluated 2022-08-01.

Allele frequency attached by ClinVar (database versions not stated): 1000 Genomes Project 0.00120; 1000 Genomes Project 30x 0.00156; ExAC 0.00263; gnomAD 0.00264; gnomAD exomes 0.00264 and 0.00373; TOPMed 0.00265; ESP Exome Variant Server 0.00270.
gnomAD v4.1: 5,770 of 1,613,130 alleles (0.36%); highest among the groups gnomAD compares: Middle Eastern, 0.52%; 7 homozygotes.

Submissions (3):

CeGaT Center for Human Genetics Tuebingen
Classification: Likely benign. Last evaluated: 2022-08-01. Review status: criteria provided, single submitter. Criteria: CeGaT Center For Human Genetics Tuebingen Variant Classification Criteria Version 2. Collection method: clinical testing. Allele origin: germline. Affected: yes. Observed: 1 variant allele.
Comment: PCDHB4: BP4, BS1

Labcorp Genetics (formerly Invitae), Labcorp
Classification: Likely benign. Last evaluated: 2018-07-27. Review status: criteria provided, single submitter. Criteria: Invitae Variant Classification Sherloc (09022015). Collection method: clinical testing. Allele origin: germline.

Breakthrough Genomics
Classification: Likely benign. Review status: criteria provided, single submitter. Criteria: ACMG Guidelines, 2015. Collection method: not provided. Allele origin: germline. Inheritance: Unknown mechanism. Affected: yes.

NM_018938.4(PCDHB4):c.1451A>G (p.Gln484Arg)

Genes: PCDHB4 (protocadherin beta 4; plus strand), PCDHB@ (protocadherin beta cluster; plus strand). Cytogenetic location: 5q31.3.
Variant type: single nucleotide variant.
Coding change: c.1451A>G on transcript NM_018938.4 (MANE Select); coding-DNA position 1451, A replaced by G.
Protein change: p.Gln484Arg; replaces glutamine 484 with arginine.
Molecular consequence: missense variant.
Genome position (GRCh38, 1-based): chr5:141,123,449, A>G. VCF-style: chr5-141123449-A-G. GRCh37 (hg19) VCF-style: chr5-140503031-A-G.
Other names: short protein forms Q484R.
Identifiers: ClinVar variation 719173 (VCV000719173.28), dbSNP rs111984976, ClinGen allele CA3456506.